The following is an entry in ClinVar:

NM_000268.4(NF2):c.448-17C>T

Gene: NF2 (NF2, moesin-ezrin-radixin like (MERLIN) tumor suppressor; plus strand). Cytogenetic location: 22q12.2.
Variant type: single nucleotide variant.
Coding change: c.448-17C>T on transcript NM_000268.4 (MANE Select); 17 bases into the intron before coding-DNA position 448, C replaced by T.
Molecular consequence: intron variant.
Genome position (GRCh38, 1-based): chr22:29,654,640, C>T. VCF-style: chr22-29654640-C-T. GRCh37 (hg19) VCF-style: chr22-30050629-C-T.
Other names: c.448-17C>T (NM_016418.5, NM_181832.3, NM_181825.3); c.447+12355C>T (NM_181833.3); c.325-17C>T (NM_181829.3); c.322-17C>T (NM_181828.3); c.199-17C>T (NM_181830.3, NM_181831.3).
Identifiers: ClinVar variation 262994 (VCV000262994.11), dbSNP rs190596693, ClinGen allele CA033477.

ClinVar aggregate classification (germline): Benign/Likely benign. Review status: criteria provided, multiple submitters, no conflicts (2 of 4 stars). 4 submissions from 4 submitters: Benign (1); Likely benign (3). Last evaluated 2026-01-28.

Conditions:
Neurofibromatosis, type 2 (SWNV). Also called: NF2-Related Schwannomatosis; BILATERAL ACOUSTIC NEUROFIBROMATOSIS; SCHWANNOMATOSIS, VESTIBULAR. Identifiers: Orphanet 637, MedGen C0027832, MONDO:0007039, OMIM 101000. Disease mechanism: loss of function.

Allele frequency attached by ClinVar (database versions not stated): gnomAD exomes 0.00021 and 0.00045; ExAC 0.00049; 1000 Genomes Project 30x 0.00094; 1000 Genomes Project 0.00100; ESP Exome Variant Server 0.00177; gnomAD 0.00194 and 0.00215; TOPMed 0.00198.
gnomAD v4.1: 610 of 1,612,448 alleles (0.038%); highest among the groups gnomAD compares: African/African-American, 0.75%; 3 homozygotes.

Submissions (4):

Labcorp Genetics (formerly Invitae), Labcorp
Classification: Benign for Neurofibromatosis, type 2. Last evaluated: 2026-01-28. Review status: criteria provided, single submitter. Criteria: Invitae Variant Classification Sherloc (09022015). Collection method: clinical testing. Allele origin: germline.

Blueprint Genetics
Classification: Likely benign. Last evaluated: 2024-08-02. Review status: criteria provided, single submitter. Criteria: ACMG Guidelines, 2015. Collection method: clinical testing. Allele origin: germline.

GeneDx
Classification: Likely benign. Last evaluated: 2017-05-24. Review status: criteria provided, single submitter. Criteria: GeneDx Variant Classification (06012015). Collection method: clinical testing. Allele origin: germline. Affected: yes.
Comment: This variant is considered likely benign or benign based on one or more of the following criteria: it is a conservative change, it occurs at a poorly conserved position in the protein, it is predicted to be benign by multiple in silico algorithms, and/or has population frequency not consistent with disease.

PreventionGenetics, part of Exact Sciences
Classification: Likely benign. Review status: criteria provided, single submitter. Criteria: ACMG Guidelines, 2015. Collection method: clinical testing. Allele origin: germline.